The following is an entry in ClinVar:

NM_005677.4(COLQ):c.700G>T (p.Gly234Ter)

Gene: COLQ (collagen like tail subunit of asymmetric acetylcholinesterase; minus strand). Cytogenetic location: 3p25.1.
Variant type: single nucleotide variant.
Coding change: c.700G>T on transcript NM_005677.4 (MANE Select); coding-DNA position 700, G replaced by T.
Protein change: p.Gly234Ter; replaces glycine 234 with a stop codon.
Molecular consequence: nonsense.
Genome position (GRCh38, 1-based): chr3:15,470,553, C>A on the plus strand (G>T on the coding strand, the complement: COLQ is on the minus strand). VCF-style: chr3-15470553-C-A. GRCh37 (hg19) VCF-style: chr3-15512060-C-A.
Other names: c.670G>T, p.Gly224Ter (NM_080538.2); c.598G>T, p.Gly200Ter (NM_080539.4); short protein forms G224*, G200*, G234*.
Identifiers: ClinVar variation 1383050 (VCV001383050.7), dbSNP rs2062264317, ClinGen allele CA351597935.

ClinVar aggregate classification (germline): Pathogenic. Review status: criteria provided, multiple submitters, no conflicts (2 of 4 stars). 2 submissions from 2 submitters: Pathogenic (2). Last evaluated 2023-12-15.

Conditions:
Congenital myasthenic syndrome 5. Identifiers: Orphanet 590, MedGen C1864233, MONDO:0011281, OMIM 603034.
Congenital myasthenic syndrome (CMS). Also called: Congenital Myasthenic Syndromes. Identifiers: Orphanet 590, MedGen C0751882, MeSH D020294, MONDO:0018940.

Allele frequency attached by ClinVar (database versions not stated): TOPMed below 0.00001.

Submissions (2):

Women's Health and Genetics/Laboratory Corporation of America, LabCorp
Classification: Pathogenic for Congenital myasthenic syndrome. Last evaluated: 2023-12-15. Review status: criteria provided, single submitter. Criteria: LabCorp Variant Classification Summary - May 2015. Collection method: clinical testing. Allele origin: germline.
Comment: Variant summary: COLQ c.700G>T (p.Gly234X) results in a premature termination codon, predicted to cause absence of the protein due to nonsense mediated decay, which is a commonly known mechanism for disease. The variant was absent in 251480 control chromosomes. To our knowledge, no occurrence of c.700G>T in individuals affected with Congenital Myasthenic Syndrome and no experimental evidence demonstrating its impact on protein function have been reported. One submitter has cited clinical-significance assessments for this variant to ClinVar after 2014 and has classified the variant as pathogenic. Based on the evidence outlined above, the variant was classified as pathogenic.

Labcorp Genetics (formerly Invitae), Labcorp
Classification: Pathogenic for Congenital myasthenic syndrome 5. Last evaluated: 2021-09-26. Review status: criteria provided, single submitter. Criteria: Invitae Variant Classification Sherloc (09022015). Collection method: clinical testing. Allele origin: germline.
Comment: This variant has not been reported in the literature in individuals affected with COLQ-related conditions. For these reasons, this variant has been classified as Pathogenic. This variant is not present in population databases (ExAC no frequency). This sequence change creates a premature translational stop signal (p.Gly234*) in the COLQ gene. It is expected to result in an absent or disrupted protein product. Loss-of-function variants in COLQ are known to be pathogenic (PMID: 22678886).

Literature cited by the submitters: PubMed 22678886 (cited by Labcorp Genetics (formerly Invitae), Labcorp).